The following is an entry in ClinVar:

ClinVar aggregate classification (germline): Conflicting classifications of pathogenicity. Review status: criteria provided, conflicting classifications (1 of 4 stars). 16 submissions from 16 submitters: Likely pathogenic (1); Uncertain significance (14). 1 of the submissions does not count toward it. Last evaluated 2026-06-16.

Conditions:
MUTYH-related disorder. Also called: MUTYH-related condition; MUTYH-related disorders.
Familial colorectal cancer type X. Identifiers: Orphanet 440437, MedGen C3896578, MONDO:0018604.
Familial adenomatous polyposis 2. Also called: MYH-associated polyposis; COLORECTAL ADENOMATOUS POLYPOSIS, AUTOSOMAL RECESSIVE; ADENOMAS, MULTIPLE COLORECTAL, AUTOSOMAL RECESSIVE; FAP type 2; MUTYH-related attenuated familial adenomatous polyposis; MUTYH-associated polyposis. Identifiers: Orphanet 220460, Orphanet 247798, MedGen C3272841, MONDO:0012041, OMIM 608456.
Gastric cancer. Also called: Stomach cancer; Malignant tumor of stomach. Identifiers: MedGen C0024623, MeSH D013274, MONDO:0001056, OMIM 613659, HP:0012126.
Hereditary cancer-predisposing syndrome. Also called: Tumor predisposition; Neoplastic Syndromes, Hereditary; Hereditary neoplastic syndrome; Hereditary Cancer Syndrome. Identifiers: Orphanet 140162, MedGen C0027672, MeSH D009386, MONDO:0015356.

Allele frequency attached by ClinVar (database versions not stated): ExAC 0.00002; gnomAD exomes 0.00005 and 0.00015; gnomAD 0.00008; TOPMed 0.00009; 1000 Genomes Project 30x 0.00031; 1000 Genomes Project 0.00040.
gnomAD v4.1: 231 of 1,614,224 alleles (0.014%); highest among the groups gnomAD compares: Non-Finnish European, 0.019%; no homozygotes.

Submissions 1 to 7 of 16:

PreventionGenetics, part of Exact Sciences
Classification: Uncertain significance for MUTYH-related condition. Last evaluated: 2026-06-16. Review status: criteria provided, single submitter. Criteria: ACMG Guidelines, 2015. Collection method: clinical testing. Allele origin: germline.
Comment: The MUTYH c.1417G>A variant is predicted to result in the amino acid substitution p.Ala473Thr. This variant (also known as c.1375G>A, p.Ala459Thr) has been reported in individuals with a history of colorectal or Lynch syndrome-related cancers (Table 1, Fleischmann et al. 2004. PubMed ID: 14991577; Table 2, Olschwang et al. 2007. PubMed ID: 17949294; Supplemental Table 2, Yurgelun et al. 2015. PubMed ID: 25980754). Functional studies within E. coli suggest this variant has no impact on base excision repair activity of the MUTYH protein (Komine et al. 2015. PubMed ID: 25820570). This variant has conflicting interpretations of pathogenicity in the ClinVar database ranging from likely pathogenic to uncertain (Variation ID: 141614). This variant is reported in 0.011% of alleles in individuals of European (Non-Finnish) descent in gnomAD. At this time, the clinical significance of this variant is uncertain due to the absence of conclusive functional and genetic evidence.

Labcorp Genetics (formerly Invitae), Labcorp
Classification: Likely pathogenic for Familial adenomatous polyposis 2. Last evaluated: 2026-02-03. Review status: criteria provided, single submitter. Criteria: Invitae Variant Classification Sherloc (09022015). Collection method: clinical testing. Allele origin: germline.
Comment: This sequence change replaces alanine, which is neutral and non-polar, with threonine, which is neutral and polar, at codon 473 of the MUTYH protein (p.Ala473Thr). This variant is present in population databases (rs192816572, gnomAD 0.008%). This missense change has been observed in individual(s) with clinical features of MUTYH-associated polyposis (PMID: 14991577, 17949294; internal data). In at least one individual the data is consistent with being in trans (on the opposite chromosome) from a pathogenic variant. This variant is also known as c.1375G>A (p.A459T). ClinVar contains an entry for this variant (Variation ID: 141614). An algorithm developed to predict the effect of missense changes on protein structure and function (PolyPhen-2) suggests that this variant is likely to be tolerated. Experimental studies have shown that this missense change does not substantially affect MUTYH function (PMID: 25820570). RNA analysis performed to evaluate the impact of this missense change on mRNA splicing indicates it does not significantly alter splicing (internal data). In summary, the currently available evidence indicates that the variant is pathogenic, but additional data are needed to prove that conclusively. Therefore, this variant has been classified as Likely Pathogenic.

Center for Genomic Medicine, Rigshospitalet, Copenhagen University Hospital
Classification: Uncertain significance. Last evaluated: 2025-12-29. Review status: criteria provided, single submitter. Criteria: ACMG Guidelines, 2015. Collection method: clinical testing. Allele origin: germline.

Ambry Genetics
Classification: Uncertain significance for Hereditary cancer-predisposing syndrome. Last evaluated: 2025-09-29. Review status: criteria provided, single submitter. Criteria: Ambry Variant Classification Scheme 2023. Collection method: clinical testing. Allele origin: germline.
Comment: The p.A473T variant (also known as c.1417G>A), located in coding exon 14 of the MUTYH gene, results from a G to A substitution at nucleotide position 1417. The alanine at codon 473 is replaced by threonine, an amino acid with similar properties. This alteration has been reported in several patient cohorts including an early-onset colorectal cancer patient, an individual with greater than 5 colorectal adenomas, and an individual who underwent clinical genetic testing for Lynch syndrome; however, no other alterations in the MUTYH gene were detected in these cases, and p.A473T was classified as a variant of unknown significance (Fleischmann C et al. Int. J. Cancer. 2004 Apr;109:554-8; Olschwang S et al. Genet. Test. 2007;11:315-20; Yurgelun MB et al. Gastroenterology. 2015 Sep;149:604-13.e20). Functional studies of this variant demonstrate that it has near-wild type function in an E. coli-based complementation assay (Komine K et al. Hum. Mutat. 2015 Jul;36:704-11). In a massively parallel cell-based functional assay testing 7,8-dihydro-8-oxoguanine:adenine (8OG:A) repair activity, a byproduct of oxidative damage, this variant was reported to be inconclusive (Hemker SL et al. Am J Hum Genet. 2025 Sep;112(9):2010-2026). Of note, this alteration is also designated as p.A459T in published literature. This amino acid position is not well conserved in available vertebrate species. In addition, the in silico prediction for this alteration is inconclusive. Since supporting evidence is limited at this time, the clinical significance of this alteration remains unclear.

GeneDx
Classification: Uncertain significance. Last evaluated: 2025-07-15. Review status: criteria provided, single submitter. Criteria: GeneDx Variant Classification Process June 2021. Collection method: clinical testing. Allele origin: germline. Affected: yes.
Comment: Published functional studies demonstrate normal base excision repair activity, but this variant may result in aberrant splicing (PMID: 25820570, 31687339); In silico analysis supports a deleterious effect on splicing; In silico analysis suggests that this missense variant does not alter protein structure/function; Not observed at significant frequency in large population cohorts (gnomAD); This variant is associated with the following publications: (PMID: 14991577, 25980754, 27498913, 17949294, 26332594, 16134146, 26269718, 19725997, 25186627, 31687339, 17031395, 15465463, 34816434, 23108399, 25820570, 32720237)

Color Diagnostics, LLC DBA Color Health
Classification: Uncertain significance for Hereditary cancer-predisposing syndrome. Last evaluated: 2025-06-05. Review status: criteria provided, single submitter. Criteria: ACMG Guidelines, 2015. Collection method: clinical testing. Allele origin: germline.
Comment: This missense variant replaces alanine with threonine at codon 473 of the MUTYH protein. This variant is also known as c.1375G>A (p.Ala459Met) based on an alternative transcript (NM_001048171). Computational prediction is inconclusive regarding the impact of this variant on protein structure and function. Splice site prediction tools suggest that this variant may strengthen an alternative splice donor site. An RNA study using lymphoblastoid cell lines derived from a phenotypically normal subject has shown that this variant leads to the use of the alternative splice donor site (PMID: 31687339), creating a frameshift in the transcript. The clinical relevance of this observation is not known. A functional study has shown that this variant protein leads to similar base excision repair activity in comparison with the wild-type protein in a bacterial complementation assay (PMID: 25820570). This variant has been reported in individuals affected with Lynch syndrome-associated cancer and/or polyps (PMID: 25980754), multiple colorectal adenomas (PMID: 17949294), and breast cancer (PMID: 25186627). This variant has also been identified in 15/282886 chromosomes in the general population by the Genome Aggregation Database (gnomAD). The available evidence is insufficient to determine the role of this variant in disease conclusively. Therefore, this variant is classified as a Variant of Uncertain Significance.

Molecular Pathology, Peter Maccallum Cancer Centre
Classification: Uncertain significance for Familial adenomatous polyposis 2. Last evaluated: 2024-09-15. Review status: criteria provided, single submitter. Criteria: ACMG Guidelines, 2015. Collection method: clinical testing. Allele origin: germline. Inheritance: Autosomal recessive inheritance.

NM_001048174.2(MUTYH):c.1333G>A (p.Ala445Thr)

Gene: MUTYH (mutY DNA glycosylase; minus strand). Cytogenetic location: 1p34.1.
Variant type: single nucleotide variant.
Coding change: c.1333G>A on transcript NM_001048174.2 (MANE Select); coding-DNA position 1333, G replaced by A.
Protein change: p.Ala445Thr; replaces alanine 445 with threonine.
Molecular consequence: missense variant. On other transcripts: non-coding transcript variant (2).
Genome position (GRCh38, 1-based): chr1:45,331,241, C>T on the plus strand (G>A on the coding strand, the complement: MUTYH is on the minus strand). VCF-style: chr1-45331241-C-T. GRCh37 (hg19) VCF-style: chr1-45796913-C-T.
Other names: p.A473T:GCT>ACT; c.1333G>A, p.Ala445Thr (NM_001048171.2, NM_001048173.2, NM_001293195.2); c.1336G>A, p.Ala446Thr (NM_001048172.2); c.1417G>A, p.Ala473Thr (NM_001128425.2); c.1378G>A, p.Ala460Thr (NM_001293190.2); c.1366G>A, p.Ala456Thr (NM_001293191.2); c.1057G>A, p.Ala353Thr (NM_001293192.2, NM_001293196.2); c.988G>A, p.Ala330Thr (NM_001350650.2, NM_001350651.2); and 1 more; short protein forms A473T, A459T, A445T, A446T, A460T, A330T, A470T, A456T.
Identifiers: ClinVar variation 141614 (VCV000141614.54), dbSNP rs192816572, ClinGen allele CA012742.